The following is an entry in ClinVar:

NM_015570.4(AUTS2):c.1354G>A (p.Ala452Thr)

Gene: AUTS2 (activator of transcription and developmental regulator AUTS2; plus strand). Cytogenetic location: 7q11.22.
Variant type: single nucleotide variant.
Coding change: c.1354G>A on transcript NM_015570.4 (MANE Select); coding-DNA position 1354, G replaced by A.
Protein change: p.Ala452Thr; replaces alanine 452 with threonine.
Molecular consequence: missense variant.
Genome position (GRCh38, 1-based): chr7:70,764,891, G>A. VCF-style: chr7-70764891-G-A. GRCh37 (hg19) VCF-style: chr7-70229877-G-A.
Other names: c.1354G>A, p.Ala452Thr (NM_001127231.3); short protein forms A452T.
Identifiers: ClinVar variation 2156258 (VCV002156258.13), dbSNP rs749176066, ClinGen allele CA4280628.

ClinVar aggregate classification (germline): Conflicting classifications of pathogenicity. Review status: criteria provided, conflicting classifications (1 of 4 stars). 3 submissions from 3 submitters: Uncertain significance (2); Likely benign (1). Last evaluated 2025-11-01.

Conditions:
Autism spectrum disorder due to AUTS2 deficiency (MRD26). Also called: INTELLECTUAL DEVELOPMENTAL DISORDER, AUTOSOMAL DOMINANT 26. Identifiers: Orphanet 352490, MedGen C4014435, MONDO:0014361, OMIM 615834.

Allele frequency attached by ClinVar (database versions not stated): ExAC 0.00003; gnomAD exomes 0.00015; gnomAD 0.00016.
gnomAD v4.1: 69 of 456,676 alleles (0.015%); highest among the groups gnomAD compares: Non-Finnish European, 0.018%; no homozygotes.

Submissions (3):

CeGaT Center for Human Genetics Tuebingen
Classification: Likely benign. Last evaluated: 2025-11-01. Review status: criteria provided, single submitter. Criteria: CeGaT Center For Human Genetics Tuebingen Variant Classification Criteria Version 2. Collection method: clinical testing. Allele origin: germline. Affected: yes. Observed: 1 variant allele.
Comment: AUTS2: BP4, BS1

Labcorp Genetics (formerly Invitae), Labcorp
Classification: Uncertain significance. Last evaluated: 2025-08-12. Review status: criteria provided, single submitter. Criteria: Invitae Variant Classification Sherloc (09022015). Collection method: clinical testing. Allele origin: germline.
Comment: This sequence change replaces alanine, which is neutral and non-polar, with threonine, which is neutral and polar, at codon 452 of the AUTS2 protein (p.Ala452Thr). This variant is present in population databases (rs749176066, gnomAD 0.006%). This variant has not been reported in the literature in individuals affected with AUTS2-related conditions. ClinVar contains an entry for this variant (Variation ID: 2156258). Invitae Evidence Modeling of protein sequence and biophysical properties (such as structural, functional, and spatial information, amino acid conservation, physicochemical variation, residue mobility, and thermodynamic stability) indicates that this missense variant is not expected to disrupt AUTS2 protein function with a negative predictive value of 80%. In summary, the available evidence is currently insufficient to determine the role of this variant in disease. Therefore, it has been classified as a Variant of Uncertain Significance.

Laboratorio de Genetica e Diagnostico Molecular, Hospital Israelita Albert Einstein
Classification: Uncertain significance for Autism spectrum disorder due to AUTS2 deficiency. Last evaluated: 2022-06-04. Review status: criteria provided, single submitter. Criteria: ACMG Guidelines, 2015. Collection method: clinical testing. Allele origin: germline. Affected: yes.
Comment: ACMG classification criteria: BP4 supporting